The following is an entry in ClinVar:

ClinVar aggregate classification (germline): Uncertain significance. Review status: criteria provided, multiple submitters, no conflicts (2 of 4 stars). 6 submissions from 6 submitters: Uncertain significance (4). 2 of the submissions do not count toward it. Last evaluated 2024-10-10.

Conditions:
Inborn genetic diseases. Identifiers: MedGen C0950123, MeSH D030342.
Peroxisome biogenesis disorder 1A (Zellweger) (PBD1A). Also called: Zellweger leukodystrophy; Peroxisome biogenesis disorder 1a. Identifiers: MedGen C4721541, MONDO:0008953, OMIM 214100.
Zellweger spectrum disorders (ZS). Also called: Zellweger syndrome; Zellweger Spectrum Disorder; Zellweger Spectrum; Zellweger Spectrum Disorder (ZSD). Identifiers: Orphanet 912, MedGen C0043459, MONDO:0019609.

Allele frequency attached by ClinVar (database versions not stated): gnomAD 0.00009 and 0.00011; TOPMed 0.00011; gnomAD exomes 0.00012; ExAC 0.00015; ESP Exome Variant Server 0.00015.
gnomAD v4.1: 149 of 1,613,676 alleles (0.0092%); highest among the groups gnomAD compares: Middle Eastern, 0.033%; no homozygotes.

Submissions (6):

Blueprint Genetics
Classification: Uncertain significance. Last evaluated: 2024-10-10. Review status: criteria provided, single submitter. Criteria: ACMG Guidelines, 2015. Collection method: clinical testing. Allele origin: germline.

Ambry Genetics
Classification: Uncertain significance for Inborn genetic diseases. Last evaluated: 2024-08-27. Review status: criteria provided, single submitter. Criteria: Ambry Variant Classification Scheme 2023. Collection method: clinical testing. Allele origin: germline.

Labcorp Genetics (formerly Invitae), Labcorp
Classification: Uncertain significance for Zellweger spectrum disorders. Last evaluated: 2022-10-04. Review status: criteria provided, single submitter. Criteria: Invitae Variant Classification Sherloc (09022015). Collection method: clinical testing. Allele origin: germline.
Comment: This sequence change replaces arginine, which is basic and polar, with histidine, which is basic and polar, at codon 985 of the PEX1 protein (p.Arg985His). This variant is present in population databases (rs202057449, gnomAD 0.02%). This variant has not been reported in the literature in individuals affected with PEX1-related conditions. ClinVar contains an entry for this variant (Variation ID: 911570). Advanced modeling of protein sequence and biophysical properties (such as structural, functional, and spatial information, amino acid conservation, physicochemical variation, residue mobility, and thermodynamic stability) performed at Invitae indicates that this missense variant is expected to disrupt PEX1 protein function. In summary, the available evidence is currently insufficient to determine the role of this variant in disease. Therefore, it has been classified as a Variant of Uncertain Significance.

Illumina Laboratory Services, Illumina
Classification: Uncertain significance for Peroxisome biogenesis disorder 1A (Zellweger). Last evaluated: 2018-01-13. Review status: criteria provided, single submitter. Criteria: ICSL Variant Classification Criteria 13 December 2019. Collection method: clinical testing. Allele origin: germline.

Natera, Inc.
Classification: Uncertain significance for Zellweger syndrome. Last evaluated: 2018-06-09. Review status: no assertion criteria provided. Collection method: clinical testing. Allele origin: germline. Not counted in ClinVar's aggregate classification.

Department of Pathology and Laboratory Medicine, Sinai Health System
Classification: Uncertain significance. Review status: no assertion criteria provided. Collection method: clinical testing. Allele origin: unknown. Affected: yes. Study: The Canadian Open Genetics Repository (COGR). Not counted in ClinVar's aggregate classification.
Comment: The PEX1 p.Arg777His variant was not identified in the literature nor was it identified in ClinVar, Cosmic or LOVD 3.0. The variant was identified in dbSNP (ID: rs202057449) and in control databases in 33 of 282306 chromosomes at a frequency of 0.000117 (Genome Aggregation Database March 6, 2019, v2.1.1). The variant was observed in the following populations: European (non-Finnish) in 26 of 128816 chromosomes (freq: 0.000202) and Latino in 7 of 35364 chromosomes (freq: 0.000198); the variant was not observed in the African, Ashkenazi Jewish, East Asian, European (Finnish), Other or South Asian populations. The variant occurs outside of the splicing consensus sequence and in silico or computational prediction software programs (SpliceSiteFinder, MaxEntScan, NNSPLICE, GeneSplicer) do not predict a difference in splicing. The p.Arg777 residue is conserved in mammals and computational analyses (PolyPhen-2, SIFT, AlignGVGD, BLOSUM, MutationTaster) provide inconsistent predictions regarding the impact to the protein; this information is not very predictive of pathogenicity. In summary, based on the above information the clinical significance of this variant cannot be determined with certainty at this time. This variant is classified as a variant of uncertain significance.

NM_000466.3(PEX1):c.2954G>A (p.Arg985His)

Genes: GATAD1 (GATA zinc finger domain containing 1; plus strand), PEX1 (peroxisomal biogenesis factor 1; minus strand). Cytogenetic location: 7q21.2.
Variant type: single nucleotide variant.
Coding change: c.2954G>A on transcript NM_000466.3 (MANE Select); coding-DNA position 2954, G replaced by A.
Protein change: p.Arg985His; replaces arginine 985 with histidine.
Molecular consequence: missense variant.
Genome position (GRCh38, 1-based): chr7:92,494,369, C>T on the plus strand (G>A on the coding strand, the complement: PEX1 is on the minus strand). VCF-style: chr7-92494369-C-T. GRCh37 (hg19) VCF-style: chr7-92123683-C-T.
Other names: c.2783G>A, p.Arg928His (NM_001282677.2); c.2330G>A, p.Arg777His (NM_001282678.2); short protein forms R777H, R985H, R928H.
Identifiers: ClinVar variation 911570 (VCV000911570.15), dbSNP rs202057449, ClinGen allele CA4340949.